The following is an entry in ClinVar:

ClinVar aggregate classification (germline): Uncertain significance. Review status: criteria provided, multiple submitters, no conflicts (2 of 4 stars). 4 submissions from 4 submitters: Uncertain significance (3). 1 of the submissions does not count toward it. Last evaluated 2025-01-06.

Conditions:
Retinitis pigmentosa 28 (RP28). Identifiers: Orphanet 791, MedGen C1419614, MONDO:0011630, OMIM 606068.

Allele frequency attached by ClinVar (database versions not stated): TOPMed below 0.00001; ExAC 0.00001; gnomAD exomes below 0.00001; gnomAD 0.00001.
gnomAD v4.1: 6 of 1,611,678 alleles (0.00037%); highest among the groups gnomAD compares: Middle Eastern, 0.033%; no homozygotes.

Submissions (4):

Labcorp Genetics (formerly Invitae), Labcorp
Classification: Uncertain significance. Last evaluated: 2025-01-06. Review status: criteria provided, single submitter. Criteria: Invitae Variant Classification Sherloc (09022015). Collection method: clinical testing. Allele origin: germline.
Comment: This sequence change replaces arginine, which is basic and polar, with tryptophan, which is neutral and slightly polar, at codon 562 of the FAM161A protein (p.Arg562Trp). The frequency data for this variant in the population databases is considered unreliable, as metrics indicate poor data quality at this position in the gnomAD database. This variant has not been reported in the literature in individuals affected with FAM161A-related conditions. ClinVar contains an entry for this variant (Variation ID: 961612). An algorithm developed to predict the effect of missense changes on protein structure and function (PolyPhen-2) suggests that this variant is likely to be disruptive. In summary, the available evidence is currently insufficient to determine the role of this variant in disease. Therefore, it has been classified as a Variant of Uncertain Significance.

Blueprint Genetics
Classification: Uncertain significance. Last evaluated: 2024-08-27. Review status: criteria provided, single submitter. Criteria: ACMG Guidelines, 2015. Collection method: clinical testing. Allele origin: germline.

Breakthrough Genomics
Classification: Uncertain significance. Review status: criteria provided, single submitter. Criteria: ACMG Guidelines, 2015. Collection method: not provided. Allele origin: germline. Inheritance: Unknown mechanism. Affected: yes.

Natera, Inc.
Classification: Uncertain significance for Retinitis pigmentosa type 28. Last evaluated: 2021-05-20. Review status: no assertion criteria provided. Collection method: clinical testing. Allele origin: germline. Not counted in ClinVar's aggregate classification.

NM_001201543.2(FAM161A):c.1684C>T (p.Arg562Trp)

Gene: FAM161A (FAM161 centrosomal protein A; minus strand). Cytogenetic location: 2p15.
Variant type: single nucleotide variant.
Coding change: c.1684C>T on transcript NM_001201543.2 (MANE Select); coding-DNA position 1684, C replaced by T.
Protein change: p.Arg562Trp; replaces arginine 562 with tryptophan.
Molecular consequence: missense variant. On other transcripts: intron variant (1).
Genome position (GRCh38, 1-based): chr2:61,838,605, G>A on the plus strand (C>T on the coding strand, the complement: FAM161A is on the minus strand). VCF-style: chr2-61838605-G-A. GRCh37 (hg19) VCF-style: chr2-62065740-G-A.
Other names: c.1583+816C>T (NM_032180.3); short protein forms R562W.
Identifiers: ClinVar variation 961612 (VCV000961612.7), dbSNP rs758751186, ClinGen allele CA1679063.
Genomic context (GRCh38, chr2:61,838,605, plus strand): 5'-ATTTTACTCTGGATTTAGATATTTGAGCTAAACTTTGATGTGAGTCATAAGCCTTAGCCC[G>A]GGTTGTCAGGAGTTTCTGCAATTCTTTCATTCTTTGCTTCTGTTTAGTTAGGATCCGATT-3'
Protein context (NP_001188472.1, residues 552-572): MKELQKLLTT[Arg562Trp]AKAYDSHQSL